The following is an entry in ClinVar:

ClinVar aggregate classification (germline): Uncertain significance. Review status: criteria provided, multiple submitters, no conflicts (2 of 4 stars). 3 submissions from 3 submitters: Uncertain significance (3). Last evaluated 2025-10-29.

Conditions:
MYO18B-related disorder. Also called: MYO18B-related condition.
Inborn genetic diseases. Identifiers: MedGen C0950123, MeSH D030342.

Allele frequency attached by ClinVar (database versions not stated): gnomAD 0.00002; TOPMed 0.00002; ExAC 0.00003.
gnomAD v4.1: 22 of 1,613,698 alleles (0.0014%); highest among the groups gnomAD compares: East Asian, 0.02%; no homozygotes.

Submissions (3):

Ambry Genetics
Classification: Uncertain significance for Inborn genetic diseases. Last evaluated: 2025-10-29. Review status: criteria provided, single submitter. Criteria: Ambry Variant Classification Scheme 2023. Collection method: clinical testing. Allele origin: germline.

PreventionGenetics, part of Exact Sciences
Classification: Uncertain significance for MYO18B-related condition. Last evaluated: 2025-07-23. Review status: criteria provided, single submitter. Criteria: ACMG Guidelines, 2015. Collection method: clinical testing. Allele origin: germline.
Comment: The MYO18B c.6622G>A variant is predicted to result in the amino acid substitution p.Gly2208Ser. To our knowledge, this variant has not been reported in the literature. This variant is reported in 0.039% of alleles in individuals of East Asian descent in gnomAD. At this time, the clinical significance of this variant is uncertain due to the absence of conclusive functional and genetic evidence.

Labcorp Genetics (formerly Invitae), Labcorp
Classification: Uncertain significance. Last evaluated: 2022-08-05. Review status: criteria provided, single submitter. Criteria: Invitae Variant Classification Sherloc (09022015). Collection method: clinical testing. Allele origin: germline.
Comment: This sequence change replaces glycine, which is neutral and non-polar, with serine, which is neutral and polar, at codon 2208 of the MYO18B protein (p.Gly2208Ser). This variant is present in population databases (rs775262213, gnomAD 0.04%). This variant has not been reported in the literature in individuals affected with MYO18B-related conditions. Algorithms developed to predict the effect of missense changes on protein structure and function output the following: SIFT: "Not Available"; PolyPhen-2: "Benign"; Align-GVGD: "Not Available". The serine amino acid residue is found in multiple mammalian species, which suggests that this missense change does not adversely affect protein function. In summary, the available evidence is currently insufficient to determine the role of this variant in disease. Therefore, it has been classified as a Variant of Uncertain Significance.

NM_032608.7(MYO18B):c.6622G>A (p.Gly2208Ser)

Gene: MYO18B (myosin XVIIIB; plus strand). Cytogenetic location: 22q12.1.
Variant type: single nucleotide variant.
Coding change: c.6622G>A on transcript NM_032608.7 (MANE Select); coding-DNA position 6622, G replaced by A.
Protein change: p.Gly2208Ser; replaces glycine 2208 with serine.
Molecular consequence: missense variant.
Genome position (GRCh38, 1-based): chr22:26,026,596, G>A. VCF-style: chr22-26026596-G-A. GRCh37 (hg19) VCF-style: chr22-26422562-G-A.
Other names: c.6622G>A (NM_032608.5, NM_032608.6); c.6625G>A, p.Gly2209Ser (NM_001318245.2); short protein forms G2209S, G2208S.
Identifiers: ClinVar variation 1906018 (VCV001906018.4), dbSNP rs775262213, ClinGen allele CA10161575.